The following is an entry in ClinVar:

NM_001006658.3(CR2):c.2640C>G (p.Ile880Met)

Gene: CR2 (complement C3d receptor 2; plus strand). Cytogenetic location: 1q32.2.
Variant type: single nucleotide variant.
Coding change: c.2640C>G on transcript NM_001006658.3 (MANE Select); coding-DNA position 2640, C replaced by G.
Protein change: p.Ile880Met; replaces isoleucine 880 with methionine.
Molecular consequence: missense variant.
Genome position (GRCh38, 1-based): chr1:207,475,140, C>G. VCF-style: chr1-207475140-C-G. GRCh37 (hg19) VCF-style: chr1-207648485-C-G.
Other names: c.2463C>G, p.Ile821Met (NM_001877.5); short protein forms I821M, I880M.
Identifiers: ClinVar variation 1378752 (VCV001378752.4), dbSNP rs1191307581, ClinGen allele CA344539275.

ClinVar aggregate classification (germline): Uncertain significance (1 of 4 stars; one submission).

Conditions:
Immunodeficiency, common variable, 7. Identifiers: Orphanet 1572, Orphanet 696894, MedGen C3542922, MONDO:0013862, OMIM 614699.

Allele frequency attached by ClinVar (database versions not stated): TOPMed below 0.00001.
gnomAD v4.1: 1 of 1,612,598 alleles (0.000062%); highest among the groups gnomAD compares: Non-Finnish European, 0.000085%; no homozygotes.

Submission:

Labcorp Genetics (formerly Invitae), Labcorp
Classification: Uncertain significance for Immunodeficiency, common variable, 7. Last evaluated: 2022-08-09. Review status: criteria provided, single submitter. Criteria: Invitae Variant Classification Sherloc (09022015). Collection method: clinical testing. Allele origin: germline.
Comment: In summary, the available evidence is currently insufficient to determine the role of this variant in disease. Therefore, it has been classified as a Variant of Uncertain Significance. Algorithms developed to predict the effect of missense changes on protein structure and function are either unavailable or do not agree on the potential impact of this missense change (SIFT: "Deleterious"; PolyPhen-2: "Possibly Damaging"; Align-GVGD: "Class C0"). ClinVar contains an entry for this variant (Variation ID: 1378752). This variant has not been reported in the literature in individuals affected with CR2-related conditions. This variant is not present in population databases (gnomAD no frequency). This sequence change replaces isoleucine, which is neutral and non-polar, with methionine, which is neutral and non-polar, at codon 880 of the CR2 protein (p.Ile880Met).